The following is an entry in ClinVar:

NM_000128.4(F11):c.168T>A (p.Cys56Ter)

Gene: F11 (coagulation factor XI; plus strand). Cytogenetic location: 4q35.2.
Variant type: single nucleotide variant.
Coding change: c.168T>A on transcript NM_000128.4 (MANE Select); coding-DNA position 168, T replaced by A.
Protein change: p.Cys56Ter; replaces cysteine 56 with a stop codon.
Molecular consequence: nonsense.
Genome position (GRCh38, 1-based): chr4:186,271,721, T>A. VCF-style: chr4-186271721-T-A. GRCh37 (hg19) VCF-style: chr4-187192875-T-A.
Other names: c.168T>A, p.Cys56Ter (NM_001354804.2); short protein forms C56*.
Identifiers: ClinVar variation 2734690 (VCV002734690.4), dbSNP rs1739974269, ClinGen allele CA358958032.

ClinVar aggregate classification (germline): Pathogenic. Review status: criteria provided, multiple submitters, no conflicts (2 of 4 stars). 2 submissions from 2 submitters: Pathogenic (2). Last evaluated 2024-05-14.

Conditions:
Hereditary factor XI deficiency disease. Also called: PLASMA THROMBOPLASTIN ANTECEDENT DEFICIENCY; PTA DEFICIENCY; ROSENTHAL SYNDROME; Congenital factor XI deficiency. Identifiers: Orphanet 329, MedGen C0015523, MeSH D005173, MONDO:0012897, OMIM 612416.

Allele frequency attached by ClinVar (database versions not stated): gnomAD exomes below 0.00001.
gnomAD v4.1: 1 of 1,614,154 alleles (0.000062%); highest among the groups gnomAD compares: Non-Finnish European, 0.000085%; no homozygotes.

Submissions (2):

Myriad Genetics, Inc.
Classification: Pathogenic for Hereditary factor XI deficiency disease. Last evaluated: 2024-05-14. Review status: criteria provided, single submitter. Criteria: Myriad Autosomal Dominant, Autosomal Recessive and X-Linked Classification Criteria (2023). Collection method: clinical testing. Allele origin: unknown.
Comment: NM_000128.3(F11):c.168T>A(C56*) is expected to be pathogenic in the context of factor XI deficiency. This variant is predicted to lead to an abnormal or absent protein product due to the creation of a premature termination codon in F11, a gene where loss-of-function variants are known to be pathogenic. Please note: this variant was assessed in the context of healthy population screening.

Labcorp Genetics (formerly Invitae), Labcorp
Classification: Pathogenic. Last evaluated: 2023-09-06. Review status: criteria provided, single submitter. Criteria: Invitae Variant Classification Sherloc (09022015). Collection method: clinical testing. Allele origin: germline.
Comment: This sequence change creates a premature translational stop signal (p.Cys56*) in the F11 gene. It is expected to result in an absent or disrupted protein product. Loss-of-function variants in F11 are known to be pathogenic (PMID: 23929304). This variant is not present in population databases (gnomAD no frequency). This premature translational stop signal has been observed in individual(s) with F11-related conditions (PMID: 16905957). This variant is also known as Cys38STOP. For these reasons, this variant has been classified as Pathogenic.

Literature cited by the submitters: PubMed 23929304 (cited by Labcorp Genetics (formerly Invitae), Labcorp); PubMed 16905957 (cited by Labcorp Genetics (formerly Invitae), Labcorp).